The following is an entry in ClinVar:

ClinVar aggregate classification (germline): Uncertain significance. Review status: criteria provided, multiple submitters, no conflicts (2 of 4 stars). 2 submissions from 2 submitters: Uncertain significance (2). Last evaluated 2025-07-11.

Conditions:
TET2-related disorder. Also called: TET2-related condition.

Submissions (2):

PreventionGenetics, part of Exact Sciences
Classification: Uncertain significance for TET2-related condition. Last evaluated: 2025-07-11. Review status: criteria provided, single submitter. Criteria: ACMG Guidelines, 2015. Collection method: clinical testing. Allele origin: germline.
Comment: The TET2 c.4635G>C variant is predicted to result in the amino acid substitution p.Gln1545His. To our knowledge, this variant has not been reported in the literature or in a large population database (gnomAD), indicating this variant is rare. At this time, the clinical significance of this variant is uncertain due to the absence of conclusive functional and genetic evidence.

Labcorp Genetics (formerly Invitae), Labcorp
Classification: Uncertain significance. Last evaluated: 2025-02-10. Review status: criteria provided, single submitter. Criteria: Invitae Variant Classification Sherloc (09022015). Collection method: clinical testing. Allele origin: germline.
Comment: This sequence change replaces glutamine, which is neutral and polar, with histidine, which is basic and polar, at codon 1545 of the TET2 protein (p.Gln1545His). This variant is not present in population databases (gnomAD no frequency). This variant has not been reported in the literature in individuals affected with TET2-related conditions. An algorithm developed to predict the effect of missense changes on protein structure and function (PolyPhen-2) suggests that this variant is likely to be disruptive. In summary, the available evidence is currently insufficient to determine the role of this variant in disease. Therefore, it has been classified as a Variant of Uncertain Significance.

NM_001127208.3(TET2):c.4635G>C (p.Gln1545His)

Genes: TET2 (tet methylcytosine dioxygenase 2; plus strand), TET2-AS1 (TET2 antisense RNA 1; minus strand). Cytogenetic location: 4q24.
Variant type: single nucleotide variant.
Coding change: c.4635G>C on transcript NM_001127208.3 (MANE Select); coding-DNA position 4635, G replaced by C.
Protein change: p.Gln1545His; replaces glutamine 1545 with histidine.
Molecular consequence: missense variant.
Genome position (GRCh38, 1-based): chr4:105,275,145, G>C. VCF-style: chr4-105275145-G-C. GRCh37 (hg19) VCF-style: chr4-106196302-G-C.
Other names: short protein forms Q1545H.
Identifiers: ClinVar variation 4805849 (VCV004805849.2).